The following is an entry in ClinVar:

NM_000395.3(CSF2RB):c.1487C>T (p.Pro496Leu)

Gene: CSF2RB (colony stimulating factor 2 receptor subunit beta; plus strand). Cytogenetic location: 22q12.3.
Variant type: single nucleotide variant.
Coding change: c.1487C>T on transcript NM_000395.3 (MANE Select); coding-DNA position 1487, C replaced by T.
Protein change: p.Pro496Leu; replaces proline 496 with leucine.
Molecular consequence: missense variant.
Genome position (GRCh38, 1-based): chr22:36,936,571, C>T. VCF-style: chr22-36936571-C-T. GRCh37 (hg19) VCF-style: chr22-37332613-C-T.
Other names: c.1505C>T, p.Pro502Leu (NM_001410827.1); short protein forms P496L, P502L.
Identifiers: ClinVar variation 2106617 (VCV002106617.4), dbSNP rs896356593, ClinGen allele CA324003179.
Genomic context (GRCh38, chr22:36,936,571, plus strand): 5'-CCTGATGCTCACCGGCCCAAATGTCTCTGCTCTTGCAGAACGGGAGCGCAGAGCTTTGGC[C>T]CCCAGGCAGCATGTCGGCCTTCACTAGCGGGAGTCCCCCACACCAGGGGCCGTGGGGCAG-3'
Protein context (NP_000386.1, residues 486-506): LFQNGSAELW[Pro496Leu]PGSMSAFTSG

ClinVar aggregate classification (germline): Uncertain significance (1 of 4 stars; one submission).

Allele frequency attached by ClinVar (database versions not stated): gnomAD exomes below 0.00001; gnomAD 0.00001.

Submission:

Labcorp Genetics (formerly Invitae), Labcorp
Classification: Uncertain significance. Last evaluated: 2022-10-01. Review status: criteria provided, single submitter. Criteria: Invitae Variant Classification Sherloc (09022015). Collection method: clinical testing. Allele origin: germline.
Comment: This variant has not been reported in the literature in individuals affected with CSF2RB-related conditions. This variant is not present in population databases (gnomAD no frequency). This sequence change replaces proline, which is neutral and non-polar, with leucine, which is neutral and non-polar, at codon 496 of the CSF2RB protein (p.Pro496Leu). In summary, the available evidence is currently insufficient to determine the role of this variant in disease. Therefore, it has been classified as a Variant of Uncertain Significance. Advanced modeling of protein sequence and biophysical properties (such as structural, functional, and spatial information, amino acid conservation, physicochemical variation, residue mobility, and thermodynamic stability) performed at Invitae indicates that this missense variant is not expected to disrupt CSF2RB protein function.